The following continues an entry in ClinVar:

NM_019032.6(ADAMTSL4):c.767_786del (p.Gln256fs)

ClinVar aggregate classification (germline): Pathogenic. Pathogenic (30).

Submissions 13 to 29 of 34:

Victorian Clinical Genetics Services, Murdoch Childrens Research Institute
Classification: Pathogenic for Ectopia lentis 2, isolated, autosomal recessive. Last evaluated: 2024-09-19. Review status: criteria provided, single submitter. Criteria: ACMG Guidelines, 2015. Collection method: clinical testing. Allele origin: germline. Inheritance: Autosomal recessive inheritance. Affected: yes.
Comment: Based on the classification scheme VCGS_Germline_v1.3.4, this variant is classified as Pathogenic. Following criteria are met: 0102 - Loss of function is a known mechanism of disease in this gene and is associated with ectopia lentis et pupillae (MIM#225200), isolated ectopia lentis (MIM#225100) and craniosynostosis with ectopia lentis (MONDO:0011347; PMID: 35378950). (I) 0106 - This gene is associated with autosomal recessive disease. (I) 0115 - Variants in this gene are known to have variable expressivity. Phenotype may vary significantly among patients, even within the same family (PMID: 22338190). (I) 0201 - Variant is predicted to cause nonsense-mediated decay (NMD) and loss of protein (premature termination codon is located at least 54 nucleotides upstream of the final exon-exon junction). (SP) 251 - This variant is heterozygous. (I) 0304 - Variant is present in gnomAD (v2) <0.01 for a recessive condition (344 heterozygotes, 0 homozygotes). (SP) 0701 - Many other NMD-predicted variants comparable to the one identified in this case have very strong previous evidence for pathogenicity (DECIPHER). (SP) 0801 - This variant has strong previous evidence of pathogenicity in unrelated individuals. This variant has been classified as pathogenic by multiple clinical laboratories in ClinVar, and has been observed in eight unrelated homozygous individuals and two compound heterozygous individuals with isolated ectopia lentis (PMID: 20564469, 21051722). (SP) 1201 - Heterozygous variant detected in trans with a second pathogenic heterozygous variant (NM_019032.5(ADAMTSL4):c.1656del; p.(Thr553Profs*32)) in a recessive disease. (I) Legend: (SP) - Supporting pathogenic, (I) - Information, (SB) - Supporting benign

MVZ Medizinische Genetik Mainz
Classification: Pathogenic for Ectopia lentis et pupillae. Last evaluated: 2024-07-11. Review status: criteria provided, single submitter. Criteria: UK Practice Guidelines For Variant Classification V4 01 2020. Collection method: clinical testing. Allele origin: germline. Inheritance: Autosomal recessive inheritance. Affected: yes. Observed: 1 variant allele.

Fulgent Genetics
Classification: Pathogenic for Ectopia lentis 2, isolated, autosomal recessive; Ectopia lentis et pupillae. Last evaluated: 2024-04-05. Review status: criteria provided, single submitter. Criteria: ACMG Guidelines, 2015. Collection method: clinical testing. Allele origin: germline.

CeGaT Center for Human Genetics Tuebingen
Classification: Pathogenic. Last evaluated: 2024-03-01. Review status: criteria provided, single submitter. Criteria: CeGaT Center For Human Genetics Tuebingen Variant Classification Criteria Version 2. Collection method: clinical testing. Allele origin: germline. Affected: yes. Observed: 8 variant alleles.
Comment: ADAMTSL4: PM3:Very Strong, PVS1, PP1:Strong, PM2:Supporting, PP4

Institute of Human Genetics Munich, TUM University Hospital
Classification: Pathogenic for Ectopia lentis et pupillae. Last evaluated: 2023-11-14. Review status: criteria provided, single submitter. Criteria: Classification criteria August 2017. Collection method: clinical testing. Allele origin: germline. Inheritance: Autosomal recessive inheritance. Affected: yes. Observed: 1 variant allele.

Genome-Nilou Lab
Classification: Pathogenic for Ectopia lentis et pupillae. Last evaluated: 2023-04-11. Review status: criteria provided, single submitter. Criteria: ACMG Guidelines, 2015. Collection method: clinical testing. Allele origin: germline. Affected: no.

Genome-Nilou Lab
Classification: Pathogenic for Ectopia lentis 2, isolated, autosomal recessive. Last evaluated: 2023-04-11. Review status: criteria provided, single submitter. Criteria: ACMG Guidelines, 2015. Collection method: clinical testing. Allele origin: germline. Affected: no.

Department of Pathology and Laboratory Medicine, Sinai Health System
Classification: Pathogenic for Ectopia lentis et pupillae; Ectopia lentis 2, isolated, autosomal recessive. Last evaluated: 2022-08-29. Review status: criteria provided, single submitter. Criteria: ACMG Guidelines, 2015. Collection method: research. Allele origin: germline.

Center for Genomics, Ann and Robert H. Lurie Children's Hospital of Chicago
Classification: Pathogenic for Ectopia lentis et pupillae; Ectopia lentis 2, isolated, autosomal recessive. Last evaluated: 2022-07-21. Review status: criteria provided, single submitter. Criteria: ACMG Guidelines, 2015. Collection method: clinical testing. Allele origin: germline.
Comment: This variant has been reported in the literature in the homozygous and compound heterozygous states in numerous individuals with ectopia lentis, segregating with disease in at least 6 affected family members (Selected publications: Aragon-Martin 2010 PMID: 20564469; Christensen 2010 PMID: 20702823; Neuhann 2011 PMID: 21051722; Chandra 2012 PMID: 22736615). This variant is present in 0.2% (307/128702) of European alleles in the Genome Aggregation Database. Of note, this variant has been described as or suggested to be a founder mutation in multiple European populations (Christensen 2010 PMID: 20702823; Neuhann 2011 PMID: 21051722; Overwater 2017 PMID: 28642162). This variant is present in ClinVar, with several laboratories classifying it as pathogenic (Variation ID: 39555). Evolutionary conservation and computational predictive tools for this variant are limited or unavailable. This variant creates a premature stop codon 38 amino acids downstream from this location which results in an absent or abnormal protein; loss of function variants are a known mechanism of disease for this gene (Rødahl 2020 PMID: 22338190). In summary, this variant is classified as pathogenic.

Genetics and Molecular Pathology, SA Pathology
Classification: Pathogenic for Ectopia lentis 2, isolated, autosomal recessive. Last evaluated: 2022-06-24. Review status: criteria provided, single submitter. Criteria: ACMG Guidelines, 2015. Collection method: clinical testing. Allele origin: germline. Inheritance: Autosomal recessive inheritance. Affected: yes.
Comment: The ADAMTSL4 c.767_786del variant is classified as a PATHOGENIC VARIANT (PVS1, PS4, PP5) This variant is a 20-base pair deletion in exon 6 of the ADAMTSL4 gene which results in a frameshift starting with codon Glutamine 256, changes this amino acid to a Proline residue, and creates a premature Stop codon at position 38 of the new reading frame, denoted p.Q256PfsX38. This variant is predicted to cause loss of normal protein function either through protein truncation or nonsense-mediated mRNA decay (PVS1). This variant is common pathogenic variant in the ADAMTSL4 gene, and has been previously reported in many individuals with Ectopia lentis in both the homozygous or compound heterozygous state (PMID: 21051722, 22871183, 28642162, 20564469) (PS4). The variant is in dbSNP (rs199473693) and has been reported in population databases (gnomAD: 344/282186, 0 homozygote). The variant has been reported in ClinVar (Variation ID: 39555) and HGMD (Accession No: CD104803) as Pathogenic (PP5).

MGZ Medical Genetics Center
Classification: Pathogenic for Ectopia lentis 2, isolated, autosomal recessive. Last evaluated: 2022-05-09. Review status: criteria provided, single submitter. Criteria: ACMG Guidelines, 2015. Collection method: clinical testing. Allele origin: germline. Affected: yes. Observed: 5 variant alleles.
Comment: ACMG criteria applied: PVS1, PM1, PM3

Mendelics
Classification: Pathogenic for Ectopia lentis 2, isolated, autosomal recessive. Last evaluated: 2022-05-04. Review status: criteria provided, single submitter. Criteria: Mendelics Assertion Criteria 2019. Collection method: clinical testing. Allele origin: germline.

GeneDx
Classification: Pathogenic. Last evaluated: 2022-04-04. Review status: criteria provided, single submitter. Criteria: GeneDx Variant Classification Process June 2021. Collection method: clinical testing. Allele origin: germline. Affected: yes.
Comment: Frameshift variant predicted to result in protein truncation or nonsense mediated decay in a gene for which loss-of-function is a known mechanism of disease; This variant is associated with the following publications: (PMID: 20564469, 22871183, 21051722, 27848971, 23426735, 20702823, 22736615, 28642162, 28394649, 31980526, 31282960, 34426522, 31589614, 33726816)

Institute for Clinical Genetics, University Hospital TU Dresden, University Hospital TU Dresden
Classification: Pathogenic. Last evaluated: 2022-02-01. Review status: criteria provided, single submitter. Criteria: ACMG Guidelines, 2015. Collection method: clinical testing. Allele origin: maternal.
Comment: PM3, PVS1, PP3, PP5, PS4, PP1

Clinical Genetics and Genomics, Karolinska University Hospital
Classification: Pathogenic. Last evaluated: 2018-12-07. Review status: criteria provided, single submitter. Criteria: ACMG Guidelines, 2015. Collection method: clinical testing. Allele origin: germline. Affected: yes. Observed: 1 variant allele.

Illumina Laboratory Services, Illumina
Classification: Pathogenic for Ectopia lentis 2, isolated, autosomal recessive. Last evaluated: 2017-09-26. Review status: criteria provided, single submitter. Criteria: ICSL Variant Classification Criteria 09 May 2019. Collection method: clinical testing. Allele origin: germline.
Comment: The ADAMTSL4 c.767_786delAGGCCTCTGGCACAGAGCCC (p.Gln256ProfsTer38) variant results in a frameshift, and is predicted to result in premature termination of the protein. The p.Gln256ProfsTer38 variant has been reported in at least six studies in which it is found in a total of 39 individuals with ectopia lentis from at least 12 families, including in 33 individuals in a homozygous state (of whom at least 11 are related), five individuals in a compound heterozygous state and in one individual in a heterozygous state (Aragon-Martin et al. 2010; Christensen et al. 2010; Neuhann et al. 2011; Chandra et al. 2012; Chandra et al. 2013; Neuhann et al. 2015). The variant has also been found in a heterozygous state in eight unaffected family members. The p.Gln256ProfsTer38 variant was observed in a heterozygous state in five of 550 control individuals (Christensen et al. 2010; Neuhann et al. 2011) and is reported at a frequency of 0.002423 in the European (non-Finnish) population of the Genome Aggregation Database. Based on the evidence and the potential impact of frameshift variants, the p.Gln256ProfsTer38 variant is classified as pathogenic for ectopia lentis. This variant was observed by ICSL as part of a predisposition screen in an ostensibly healthy population.

Eurofins Ntd Llc (ga)
Classification: Pathogenic. Last evaluated: 2016-08-11. Review status: criteria provided, single submitter. Criteria: EGL Classification Definitions 2015. Collection method: clinical testing. Allele origin: germline. Observed: 1 variant allele, 1 heterozygote.